The following is an entry in ClinVar:

NM_001611.5(ACP5):c.259del (p.Gln87fs)

Gene: ACP5 (acid phosphatase 5, tartrate resistant; minus strand). Cytogenetic location: 19p13.2.
Variant type: Deletion.
Coding change: c.259del on transcript NM_001611.5 (MANE Select); coding-DNA position 259, one base deleted (C; older notation c.259delC).
Protein change: p.Gln87fs; shifts the reading frame from glutamine 87.
Molecular consequence: frameshift variant.
Genome position (GRCh38, 1-based): chr19:11,577,059, G deleted on the plus strand (C on the coding strand, the reverse complement: ACP5 is on the minus strand); the first of 2 consecutive G bases (chr19:11,577,059-11,577,060); deleting either gives the same sequence. VCF-style (leftmost placement, unchanged base first): chr19-11577058-TG-T. GRCh37 (hg19) VCF-style: chr19-11687873-TG-T.
Other names: c.259del, p.Gln87fs (NM_001111034.3, NM_001111035.3, NM_001111036.3 and 1 more transcripts); short protein forms Q87fs.
Identifiers: ClinVar variation 1375674 (VCV001375674.6), dbSNP rs2145092472, ClinGen allele CA2573156053.

ClinVar aggregate classification (germline): Pathogenic (1 of 4 stars; one submission).

Conditions:
Spondyloenchondrodysplasia with immune dysregulation (SPENCDI). Also called: ROIFMAN IMMUNOSKELETAL SYNDROME; SPONDYLOENCHONDRODYSPLASIA WITH OR WITHOUT IMMUNE DYSREGULATION; COMBINED IMMUNODEFICIENCY WITH AUTOIMMUNITY AND SPONDYLOMETAPHYSEAL DYSPLASIA. Identifiers: Orphanet 1855, MedGen C1842763, MONDO:0011939, OMIM 607944.

Submission:

Labcorp Genetics (formerly Invitae), Labcorp
Classification: Pathogenic for Spondyloenchondrodysplasia with immune dysregulation. Last evaluated: 2024-01-08. Review status: criteria provided, single submitter. Criteria: Invitae Variant Classification Sherloc (09022015). Collection method: clinical testing. Allele origin: germline.
Comment: This sequence change creates a premature translational stop signal (p.Gln87Argfs*21) in the ACP5 gene. It is expected to result in an absent or disrupted protein product. Loss-of-function variants in ACP5 are known to be pathogenic (PMID: 21217752, 21217755). This variant is not present in population databases (gnomAD no frequency). This variant has not been reported in the literature in individuals affected with ACP5-related conditions. ClinVar contains an entry for this variant (Variation ID: 1375674). For these reasons, this variant has been classified as Pathogenic.

Literature cited by the submitters: PubMed 21217752; PubMed 21217755.